The following is an entry in ClinVar:

ClinVar aggregate classification (germline): Pathogenic. Review status: criteria provided, multiple submitters, no conflicts (2 of 4 stars). 3 submissions from 3 submitters: Pathogenic (3). Last evaluated 2024-07-14.

Conditions:
Congenital myasthenic syndrome (CMS). Also called: Congenital Myasthenic Syndromes. Identifiers: Orphanet 590, MedGen C0751882, MeSH D020294, MONDO:0018940.
Congenital myasthenic syndrome 4A. Also called: Myasthenic syndrome, congenital, 4a, slow-channel; CONGENITAL MYASTHENIC SYNDROME TYPE Ia1; MYASTHENIC SYNDROME, CONGENITAL, 4A, SLOW-CHANNEL, AUTOSOMAL RECESSIVE. Identifiers: Orphanet 590, MedGen C4225413, MONDO:0011600, OMIM 605809.

Submissions (3):

Myriad Genetics, Inc.
Classification: Pathogenic for Congenital myasthenic syndrome. Last evaluated: 2024-07-14. Review status: criteria provided, single submitter. Criteria: Myriad Autosomal Dominant, Autosomal Recessive and X-Linked Classification Criteria (2023). Collection method: clinical testing. Allele origin: unknown.
Comment: NM_000080.3(CHRNE):c.1204C>T(Q402*) is expected to be pathogenic in the context of congenital myasthenic syndrome, CHRNE-related. This variant is predicted to lead to an abnormal or absent protein product due to the creation of a premature termination codon in CHRNE, a gene where loss-of-function variants are known to be pathogenic. Please note: this variant was assessed in the context of healthy population screening.

Baylor Genetics
Classification: Pathogenic for Congenital myasthenic syndrome 4A. Last evaluated: 2023-12-21. Review status: criteria provided, single submitter. Criteria: ACMG Guidelines, 2015. Collection method: clinical testing. Allele origin: unknown.

Labcorp Genetics (formerly Invitae), Labcorp
Classification: Pathogenic for Congenital myasthenic syndrome 4A. Last evaluated: 2023-10-23. Review status: criteria provided, single submitter. Criteria: Invitae Variant Classification Sherloc (09022015). Collection method: clinical testing. Allele origin: germline.
Comment: This sequence change creates a premature translational stop signal (p.Gln402*) in the CHRNE gene. It is expected to result in an absent or disrupted protein product. Loss-of-function variants in CHRNE are known to be pathogenic (PMID: 22678886). The frequency data for this variant in the population databases is considered unreliable, as metrics indicate poor data quality at this position in the gnomAD database. This premature translational stop signal has been observed in individual(s) with autosomal recessive congenital myasthenic syndrome (PMID: 12453093). This variant is also known as Q382X. Algorithms developed to predict the effect of sequence changes on RNA splicing suggest that this variant may create or strengthen a splice site. For these reasons, this variant has been classified as Pathogenic.

Literature cited by the submitters: PubMed 22678886 (cited by Labcorp Genetics (formerly Invitae), Labcorp); PubMed 12453093 (cited by Labcorp Genetics (formerly Invitae), Labcorp).

NM_000080.4(CHRNE):c.1204C>T (p.Gln402Ter)

Genes: CHRNE (cholinergic receptor nicotinic epsilon subunit; minus strand), LOC130060040 (ATAC-STARR-seq lymphoblastoid silent region 8049; plus strand). Cytogenetic location: 17p13.2.
Variant type: single nucleotide variant.
Coding change: c.1204C>T on transcript NM_000080.4 (MANE Select); coding-DNA position 1204, C replaced by T.
Protein change: p.Gln402Ter; replaces glutamine 402 with a stop codon.
Molecular consequence: nonsense.
Genome position (GRCh38, 1-based): chr17:4,899,213, G>A on the plus strand (C>T on the coding strand, the complement: CHRNE is on the minus strand). VCF-style: chr17-4899213-G-A. GRCh37 (hg19) VCF-style: chr17-4802508-G-A.
Other names: short protein forms Q402*.
Identifiers: ClinVar variation 2680797 (VCV002680797.6), dbSNP rs1323709805, ClinGen allele CA397300048.